The following is an entry in ClinVar:

ClinVar aggregate classification (germline): Uncertain significance (1 of 4 stars; one submission).

Submission:

GeneDx
Classification: Uncertain significance. Last evaluated: 2021-05-10. Review status: criteria provided, single submitter. Criteria: GeneDx Variant Classification Process June 2021. Collection method: clinical testing. Allele origin: germline. Affected: yes.
Comment: Not observed in large population cohorts (Lek et al., 2016); In silico analysis supports that this missense variant has a deleterious effect on protein structure/function; Has not been previously published as pathogenic or benign to our knowledge

NM_000079.4(CHRNA1):c.779G>A (p.Gly260Glu)

Gene: CHRNA1 (cholinergic receptor nicotinic alpha 1 subunit; minus strand). Cytogenetic location: 2q31.1.
Variant type: single nucleotide variant.
Coding change: c.779G>A on transcript NM_000079.4 (MANE Select); coding-DNA position 779, G replaced by A.
Protein change: p.Gly260Glu; replaces glycine 260 with glutamic acid.
Molecular consequence: missense variant.
Genome position (GRCh38, 1-based): chr2:174,750,169, C>T on the plus strand (G>A on the coding strand, the complement: CHRNA1 is on the minus strand). VCF-style: chr2-174750169-C-T. GRCh37 (hg19) VCF-style: chr2-175614897-C-T.
Other names: c.854G>A, p.Gly285Glu (NM_001039523.3); short protein forms G260E, G285E.
Identifiers: ClinVar variation 1321464 (VCV001321464.2), dbSNP rs2105345455, ClinGen allele CA349337168.